The following is an entry in ClinVar:

NM_001166108.2(PALLD):c.902G>T (p.Arg301Leu)

Gene: PALLD (palladin, cytoskeletal associated protein; plus strand). Cytogenetic location: 4q32.3.
Variant type: single nucleotide variant.
Coding change: c.902G>T on transcript NM_001166108.2 (MANE Select); coding-DNA position 902, G replaced by T.
Protein change: p.Arg301Leu; replaces arginine 301 with leucine.
Molecular consequence: missense variant.
Genome position (GRCh38, 1-based): chr4:168,512,406, G>T. VCF-style: chr4-168512406-G-T. GRCh37 (hg19) VCF-style: chr4-169433557-G-T.
Other names: c.902G>T, p.Arg301Leu (NM_016081.4); short protein forms R301L.
Identifiers: ClinVar variation 1765536 (VCV001765536.2), dbSNP rs370466913, ClinGen allele CA3135454.

ClinVar aggregate classification (germline): Uncertain significance (1 of 4 stars; one submission).

gnomAD v4.1: 2 of 1,612,802 alleles (0.00012%); highest among the groups gnomAD compares: South Asian, 0.0022%; no homozygotes.

Submission:

Ambry Genetics
Classification: Uncertain significance. Last evaluated: 2021-07-27. Review status: criteria provided, single submitter. Criteria: Ambry Variant Classification Scheme 2023. Collection method: clinical testing. Allele origin: germline.
Comment: The p.R301L variant (also known as c.902G>T), located in coding exon 1 of the PALLD gene, results from a G to T substitution at nucleotide position 902. The arginine at codon 301 is replaced by leucine, an amino acid with dissimilar properties. This amino acid position is conserved. In addition, this alteration is predicted to be tolerated by in silico analysis. Since supporting evidence is limited at this time, the clinical significance of this alteration remains unclear.